The following is an entry in ClinVar:

ClinVar aggregate classification (germline): Uncertain significance. Review status: criteria provided, multiple submitters, no conflicts (2 of 4 stars). 2 submissions from 2 submitters: Uncertain significance (2). Last evaluated 2025-08-30.

gnomAD v4.1: 18 of 1,541,458 alleles (0.0012%); highest among the groups gnomAD compares: Admixed American, 0.0058%; no homozygotes.

Submissions (2):

Ambry Genetics
Classification: Uncertain significance. Last evaluated: 2025-08-30. Review status: criteria provided, single submitter. Criteria: Ambry Variant Classification Scheme 2023. Collection method: clinical testing. Allele origin: germline.

Dasa
Classification: Uncertain significance. Last evaluated: 2025-05-27. Review status: criteria provided, single submitter. Criteria: DASA Assertion Criteria. Collection method: clinical testing. Allele origin: germline.
Comment: NM_015656.2(KIF26A):c.4945G>A (p.Ala1649Thr) is a missense variant that results in the substitution of alanine with threonine. This variant is rare in population databases. The currently available literature and clinical evidence are not sufficient to establish a definitive association between this variant and the reported condition. Therefore, this variant is classified as a variant of uncertain significance.

NM_015656.2(KIF26A):c.4945G>A (p.Ala1649Thr)

Gene: KIF26A (kinesin family member 26A; plus strand). Cytogenetic location: 14q32.33.
Variant type: single nucleotide variant.
Coding change: c.4945G>A on transcript NM_015656.2 (MANE Select); coding-DNA position 4945, G replaced by A.
Protein change: p.Ala1649Thr; replaces alanine 1649 with threonine.
Molecular consequence: missense variant.
Genome position (GRCh38, 1-based): chr14:104,177,733, G>A. VCF-style: chr14-104177733-G-A. GRCh37 (hg19) VCF-style: chr14-104644070-G-A.
Other names: short protein forms A1649T.
Identifiers: ClinVar variation 4092665 (VCV004092665.3).